The following is an entry in ClinVar:

NM_001200.4(BMP2):c.326del (p.Val109fs)

Gene: BMP2 (bone morphogenetic protein 2; plus strand). Cytogenetic location: 20p12.3.
Variant type: Deletion.
Coding change: c.326del on transcript NM_001200.4 (MANE Select); coding-DNA position 326, one base deleted (T; older notation c.326delT).
Protein change: p.Val109fs; shifts the reading frame from valine 109.
Molecular consequence: frameshift variant.
Genome position (GRCh38, 1-based): chr20:6,770,452, T deleted. VCF-style (leftmost placement, unchanged base first): chr20-6770451-GT-G. GRCh37 (hg19) VCF-style: chr20-6751098-GT-G.
Other names: short protein forms V109fs.
Identifiers: ClinVar variation 3029839 (VCV003029839.2), dbSNP rs2514530688, ClinGen allele CA2740097004.
Genomic context (GRCh38, chr20:6,770,451, plus strand): 5'-CAGCCGGGCTCACCCGCCCCAGACCACCGGTTGGAGAGGGCAGCCAGCCGAGCCAACACT[GT>G]GCGCAGCTTCCACCATGAAGGTGAGGCATGGAGCAGGGCGTGGGGGCGGGGAGTCACCCT-3'

ClinVar aggregate classification (germline): Likely pathogenic (0 of 4 stars; one submission).

Conditions:
BMP2-related disorder. Also called: BMP2-related condition.

Submission:

PreventionGenetics, part of Exact Sciences
Classification: Likely pathogenic for BMP2-related condition. Last evaluated: 2023-12-11. Review status: no assertion criteria provided. Collection method: clinical testing. Allele origin: germline.
Comment: The BMP2 c.326delT variant is predicted to result in a frameshift and premature protein termination (p.Val109Glyfs*28). To our knowledge, this variant has not been reported in the literature or in a large population database, indicating this variant is rare. Frameshift variants in BMP2 are expected to be pathogenic. This variant is interpreted as likely pathogenic.